The following is an entry in ClinVar:

NM_000059.4(BRCA2):c.5406A>T (p.Gln1802His)

Gene: BRCA2 (BRCA2 DNA repair associated; plus strand). Cytogenetic location: 13q13.1.
Variant type: single nucleotide variant.
Coding change: c.5406A>T on transcript NM_000059.4 (MANE Select); coding-DNA position 5406, A replaced by T.
Protein change: p.Gln1802His; replaces glutamine 1802 with histidine.
Molecular consequence: missense variant.
Genome position (GRCh38, 1-based): chr13:32,339,761, A>T. VCF-style: chr13-32339761-A-T. GRCh37 (hg19) VCF-style: chr13-32913898-A-T.
Other names: short protein forms Q1802H.
Identifiers: ClinVar variation 922878 (VCV000922878.6), dbSNP rs139302211, ClinGen allele CA387785346.

ClinVar aggregate classification (germline): Conflicting classifications of pathogenicity. Review status: criteria provided, conflicting classifications (1 of 4 stars). 2 submissions from 2 submitters: Uncertain significance (1); Likely benign (1). Last evaluated 2024-03-06.

Conditions:
Hereditary cancer-predisposing syndrome. Also called: Neoplastic Syndromes, Hereditary; Tumor predisposition; Hereditary Cancer Syndrome; Hereditary neoplastic syndrome. Identifiers: Orphanet 140162, MedGen C0027672, MeSH D009386, MONDO:0015356.

Submissions (2):

Color Diagnostics, LLC DBA Color Health
Classification: Uncertain significance for Hereditary cancer-predisposing syndrome. Last evaluated: 2024-03-06. Review status: criteria provided, single submitter. Criteria: ACMG Guidelines, 2015. Collection method: clinical testing. Allele origin: germline.
Comment: This missense variant replaces glutamine with histidine at codon 1802 of the BRCA2 protein. Computational prediction suggests that this variant may not impact protein structure and function (internally defined REVEL score threshold <= 0.5, PMID: 27666373). Splice site prediction tools suggest that this variant may not impact RNA splicing. To our knowledge, functional studies have not been performed for this variant. This variant has not been reported in individuals affected with hereditary cancer in the literature. This variant has not been identified in the general population by the Genome Aggregation Database (gnomAD). The available evidence is insufficient to determine the role of this variant in disease conclusively. Therefore, this variant is classified as a Variant of Uncertain Significance.

University of Washington Department of Laboratory Medicine, University of Washington
Classification: Likely benign for Hereditary cancer-predisposing syndrome. Last evaluated: 2023-03-23. Review status: criteria provided, single submitter. Criteria: Dines et al. (Genet Med. 2020). Collection method: curation. Allele origin: germline.
Comment: Missense variant in a coldspot region where missense variants are very unlikely to be pathogenic (PMID:31911673).

BRCA2 exon 11 coldspot. Reclassification based on statistical prior probability.